The following is an entry in ClinVar:

ClinVar aggregate classification (germline): Likely benign. Review status: criteria provided, multiple submitters, no conflicts (2 of 4 stars). 2 submissions from 2 submitters: Likely benign (2). Last evaluated 2023-08-15.

Conditions:
Catecholaminergic polymorphic ventricular tachycardia (CVPT). Also called: Catecholamine-induced polymorphic ventricular tachycardia. Identifiers: Orphanet 3286, MedGen C5574922, MONDO:0017990.
Catecholaminergic polymorphic ventricular tachycardia 1. Also called: VENTRICULAR TACHYCARDIA, STRESS-INDUCED POLYMORPHIC 1; RYR2-Related Catecholaminergic Polymorphic Ventricular Tachycardia; VENTRICULAR TACHYCARDIA, CATECHOLAMINERGIC POLYMORPHIC, 1, WITH OR WITHOUT ATRIAL DYSFUNCTION AND/OR DILATED CARDIOMYOPATHY. Identifiers: Orphanet 3286, MedGen C1631597, MONDO:0011484, OMIM 604772.

Submissions (2):

All of Us Research Program, National Institutes of Health
Classification: Likely benign for Catecholaminergic polymorphic ventricular tachycardia. Last evaluated: 2023-08-15. Review status: criteria provided, single submitter. Criteria: ACMG Guidelines, 2015. Collection method: clinical testing. Allele origin: germline. Inheritance: Autosomal dominant inheritance. Observed: 1 variant allele, 1 heterozygote.
Comment: This study involves interpretation of variants in research participants for the purpose of population health screening. Participant phenotype was not available at the time of variant classification. Additional details can be found in publication PMID: 35346344, PMCID: PMC8962531

Labcorp Genetics (formerly Invitae), Labcorp
Classification: Likely benign for Catecholaminergic polymorphic ventricular tachycardia 1. Last evaluated: 2020-12-03. Review status: criteria provided, single submitter. Criteria: Invitae Variant Classification Sherloc (09022015). Collection method: clinical testing. Allele origin: germline.

NM_001035.3(RYR2):c.14439T>C (p.Tyr4813=)

Gene: RYR2 (ryanodine receptor 2; plus strand). Cytogenetic location: 1q43.
Variant type: single nucleotide variant.
Coding change: c.14439T>C on transcript NM_001035.3 (MANE Select); coding-DNA position 14439, T replaced by C.
Protein change: p.Tyr4813=; no amino-acid change (tyrosine 4813 retained).
Molecular consequence: synonymous variant.
Genome position (GRCh38, 1-based): chr1:237,819,041, T>C. VCF-style: chr1-237819041-T-C. GRCh37 (hg19) VCF-style: chr1-237982341-T-C.
Identifiers: ClinVar variation 1561999 (VCV001561999.10), dbSNP rs2102824544, ClinGen allele CA424051764.